The following is an entry in ClinVar:

NM_016734.3(PAX5):c.1081C>T (p.Pro361Ser)

Gene: PAX5 (paired box 5; minus strand). Cytogenetic location: 9p13.2.
Variant type: single nucleotide variant.
Coding change: c.1081C>T on transcript NM_016734.3 (MANE Select); coding-DNA position 1081, C replaced by T.
Protein change: p.Pro361Ser; replaces proline 361 with serine.
Molecular consequence: missense variant. On other transcripts: synonymous variant (1), non-coding transcript variant (2), intron variant (5).
Genome position (GRCh38, 1-based): chr9:36,846,861, G>A on the plus strand (C>T on the coding strand, the complement: PAX5 is on the minus strand). VCF-style: chr9-36846861-G-A. GRCh37 (hg19) VCF-style: chr9-36846858-G-A.
Other names: c.979C>T, p.Pro327Ser (NM_001280547.2); c.849C>T, p.Ser283= (NM_001280549.2); c.952C>T, p.Pro318Ser (NM_001280554.2); c.781C>T, p.Pro261Ser (NM_001280555.2); c.757C>T, p.Pro253Ser (NM_001280556.2); c.587-6225C>T (NM_001280551.2); c.884-6225C>T (NM_001280553.2); c.781-6225C>T (NM_001280550.2); and 3 more; short protein forms P261S, P327S, P318S, P361S, P253S.
Identifiers: ClinVar variation 2496268 (VCV002496268.4), dbSNP rs777464393, ClinGen allele CA5058059.
Genomic context (GRCh38, chr9:36,846,861, plus strand): 5'-CTGATGGCCCAAGGGCCCCGCAGGGCCTCCGCCAGTACTCACCAAGCAGCCCCGGGTTGG[G>A]GAACCTCCAGGAGTCGTTGTACGAGGAATACTGAGGGTGGCTGTAGGGACTCCCGGAAAA-3'
Protein context (NP_057953.1, residues 351-371): YSSYNDSWRF[Pro361Ser]NPGLLGSPYY

ClinVar aggregate classification (germline): Uncertain significance. Review status: criteria provided, multiple submitters, no conflicts (2 of 4 stars). 2 submissions from 2 submitters: Uncertain significance (2). Last evaluated 2025-02-02.

Conditions:
Inborn genetic diseases. Identifiers: MedGen C0950123, MeSH D030342.

Allele frequency attached by ClinVar (database versions not stated): ExAC 0.00001; gnomAD 0.00001; gnomAD exomes 0.00002.
gnomAD v4.1: 33 of 1,613,920 alleles (0.002%); highest among the groups gnomAD compares: Non-Finnish European, 0.0026%; no homozygotes.

Submissions (2):

GeneDx
Classification: Uncertain significance. Last evaluated: 2025-02-02. Review status: criteria provided, single submitter. Criteria: GeneDx Variant Classification Process June 2021. Collection method: clinical testing. Allele origin: germline. Affected: yes.
Comment: Not observed at significant frequency in large population cohorts (gnomAD); In silico analysis indicates that this missense variant does not alter protein structure/function; Has not been previously published as pathogenic or benign to our knowledge

Ambry Genetics
Classification: Uncertain significance for Inborn genetic diseases. Last evaluated: 2024-12-04. Review status: criteria provided, single submitter. Criteria: Ambry Variant Classification Scheme 2023. Collection method: clinical testing. Allele origin: germline.
Comment: The p.P361S variant (also known as c.1081C>T), located in coding exon 9 of the PAX5 gene, results from a C to T substitution at nucleotide position 1081. The proline at codon 361 is replaced by serine, an amino acid with similar properties. This amino acid position is conserved. In addition, this alteration is predicted to be tolerated by in silico analysis. Based on the available evidence, the clinical significance of this variant remains unclear.